The following is an entry in ClinVar:

ClinVar aggregate classification (germline): Uncertain significance (1 of 4 stars; one submission).

Conditions:
Hereditary nonpolyposis colorectal neoplasms. Identifiers: MedGen C0009405, MeSH D003123.

Allele frequency attached by ClinVar (database versions not stated): TOPMed below 0.00001.

Submission:

Labcorp Genetics (formerly Invitae), Labcorp
Classification: Uncertain significance for Hereditary nonpolyposis colorectal neoplasms. Last evaluated: 2021-05-13. Review status: criteria provided, single submitter. Criteria: Invitae Variant Classification Sherloc (09022015). Collection method: clinical testing. Allele origin: germline.
Comment: This sequence change replaces tryptophan with cysteine at codon 414 of the MSH6 protein (p.Trp414Cys). The tryptophan residue is highly conserved and there is a large physicochemical difference between tryptophan and cysteine. This variant is not present in population databases (ExAC no frequency). This variant has not been reported in the literature in individuals with MSH6-related conditions. Advanced modeling of protein sequence and biophysical properties (such as structural, functional, and spatial information, amino acid conservation, physicochemical variation, residue mobility, and thermodynamic stability) performed at Invitae indicates that this missense variant is expected to disrupt MSH6 protein function. In summary, the available evidence is currently insufficient to determine the role of this variant in disease. Therefore, it has been classified as a Variant of Uncertain Significance.

NM_000179.3(MSH6):c.1242G>T (p.Trp414Cys)

Gene: MSH6 (mutS homolog 6; plus strand). Cytogenetic location: 2p16.3.
Variant type: single nucleotide variant.
Coding change: c.1242G>T on transcript NM_000179.3 (MANE Select); coding-DNA position 1242, G replaced by T.
Protein change: p.Trp414Cys; replaces tryptophan 414 with cysteine.
Molecular consequence: missense variant.
Genome position (GRCh38, 1-based): chr2:47,799,225, G>T. VCF-style: chr2-47799225-G-T. GRCh37 (hg19) VCF-style: chr2-48026364-G-T.
Other names: c.852G>T, p.Trp284Cys (NM_001281492.2); c.336G>T, p.Trp112Cys (NM_001281493.2, NM_001281494.2); short protein forms W414C, W112C, W284C.
Identifiers: ClinVar variation 1427432 (VCV001427432.8), dbSNP rs1007311950, ClinGen allele CA46707789.